The following is an entry in ClinVar:

NM_001830.4(CLCN4):c.1981G>A (p.Ala661Thr)

Gene: CLCN4 (chloride voltage-gated channel 4; plus strand). Cytogenetic location: Xp22.2.
Variant type: single nucleotide variant.
Coding change: c.1981G>A on transcript NM_001830.4 (MANE Select); coding-DNA position 1981, G replaced by A.
Protein change: p.Ala661Thr; replaces alanine 661 with threonine.
Molecular consequence: missense variant.
Genome position (GRCh38, 1-based): chrX:10,220,666, G>A. VCF-style: chrX-10220666-G-A. GRCh37 (hg19) VCF-style: chrX-10188706-G-A.
Other names: c.1699G>A, p.Ala567Thr (NM_001256944.2); short protein forms A567T, A661T.
Identifiers: ClinVar variation 2136189 (VCV002136189.1), dbSNP rs1924835326, ClinGen allele CA412044117.

ClinVar aggregate classification (germline): Uncertain significance (1 of 4 stars; one submission).

Submission:

GeneDx
Classification: Uncertain significance. Last evaluated: 2022-07-19. Review status: criteria provided, single submitter. Criteria: GeneDx Variant Classification Process June 2021. Collection method: clinical testing. Allele origin: germline. Affected: yes.
Comment: Not observed at significant frequency in large population cohorts (gnomAD); In silico analysis supports that this missense variant has a deleterious effect on protein structure/function; Has not been previously published as pathogenic or benign to our knowledge